The following is an entry in ClinVar:

NM_003850.3(SUCLA2):c.566G>A (p.Gly189Asp)

Gene: SUCLA2 (succinate-CoA ligase ADP-forming subunit beta; minus strand). Cytogenetic location: 13q14.2.
Variant type: single nucleotide variant.
Coding change: c.566G>A on transcript NM_003850.3 (MANE Select); coding-DNA position 566, G replaced by A.
Protein change: p.Gly189Asp; replaces glycine 189 with aspartic acid.
Molecular consequence: missense variant.
Genome position (GRCh38, 1-based): chr13:47,973,361, C>T on the plus strand (G>A on the coding strand, the complement: SUCLA2 is on the minus strand). VCF-style: chr13-47973361-C-T. GRCh37 (hg19) VCF-style: chr13-48547496-C-T.
Other names: p.Gly189Asp; short protein forms G189D.
Identifiers: ClinVar variation 4820319 (VCV004820319.1).
Genomic context (GRCh38, chr13:47,973,361, plus strand): 5'-TCAATAGGTTCTTTAATTATTGCTTCAGGAGACTCAGCAGCAACATCTTCAATGTTGACA[C>T]CACCATGTGAACTTCCTATTAATACAGGACCCTGGCAAGGGAAGTAAACAACCAAAACTC-3'
Protein context (NP_003841.1, residues 179-199): GPVLIGSSHG[Gly189Asp]VNIEDVAAES

ClinVar aggregate classification (germline): Uncertain significance (1 of 4 stars; one submission).

Conditions:
Mitochondrial DNA depletion syndrome, encephalomyopathic form with methylmalonic aciduria (MTDPS5). Also called: MITOCHONDRIAL DNA DEPLETION SYNDROME, ENCEPHALOMYOPATHIC FORM, WITH OR WITHOUT METHYLMALONIC ACIDURIA, AUTOSOMAL RECESSIVE, SUCLA2-RELATED; Mitochondrial DNA depletion syndrome 5 (encephalomyopathic with or without methylmalonic aciduria); Mitochondrial encephalomyopathy aminoacidopathy; SUCLA2-Related Mitochondrial DNA Depletion Syndrome, Encephalomyopathic Form with Methylmalonic Aciduria. Identifiers: Orphanet 1933, MedGen C5980207, MONDO:0012791, OMIM 612073.

Submission:

Foundation for Research in Genetics and Endocrinology, FRIGE's Institute of Human Genetics
Classification: Uncertain significance for Mitochondrial DNA depletion syndrome, encephalomyopathic form with methylmalonic aciduria. Last evaluated: 2025-09-17. Review status: criteria provided, single submitter. Criteria: ACMG Guidelines, 2015. Collection method: clinical testing. Allele origin: germline. Inheritance: Autosomal recessive inheritance. Affected: yes. Observed: 1 variant allele, 1 homozygote.
Comment: A homozygous missense variant in exon 5 of the SUCLA2 gene that results in the amino acid substitution of Aspartic acid for Glycine at codon 189 was detected. The observed variant c.566G>A has not been reported in the 1000 genomes and gnomAD databases. The in-silico prediction of the variant is deleterious by MutationTaster2, DANN, SIFT and FATHMM. In summary, the variant meets our criteria to be classified as a variant of uncertain significance.